The following is an entry in ClinVar:

NM_001127644.2(GABRA1):c.954C>T (p.Ala318=)

Gene: GABRA1 (gamma-aminobutyric acid type A receptor subunit alpha1; plus strand). Cytogenetic location: 5q34.
Variant type: single nucleotide variant.
Coding change: c.954C>T on transcript NM_001127644.2 (MANE Select); coding-DNA position 954, C replaced by T.
Protein change: p.Ala318=; no amino-acid change (alanine 318 retained).
Molecular consequence: synonymous variant.
Genome position (GRCh38, 1-based): chr5:161,895,763, C>T. VCF-style: chr5-161895763-C-T. GRCh37 (hg19) VCF-style: chr5-161322769-C-T.
Other names: p.A318A:GCC>GCT; c.954C>T, p.Ala318= (NM_000806.5, NM_001127643.2, NM_001127645.2 and 1 more transcripts).
Identifiers: ClinVar variation 137412 (VCV000137412.45), dbSNP rs551045474, ClinGen allele CA290976.

ClinVar aggregate classification (germline): Conflicting classifications of pathogenicity. Review status: criteria provided, conflicting classifications (1 of 4 stars). 5 submissions from 5 submitters: Uncertain significance (1); Benign (2); Likely benign (2). Last evaluated 2026-04-01.

Conditions:
Idiopathic generalized epilepsy. Also called: Generalised epilepsy; EIG. Identifiers: MedGen C0270850, MONDO:0005579, OMIM 600669.
Epilepsy, idiopathic generalized, susceptibility to, 13. Also called: EPILEPSY, JUVENILE MYOCLONIC, SUSCEPTIBILITY TO, 5. Identifiers: Orphanet 307, Orphanet 64280, MedGen C4013473, MONDO:0012627, OMIM 611136.
Epilepsy, childhood absence 4 (ECA4). Also called: EPILEPSY, CHILDHOOD ABSENCE, SUSCEPTIBILITY TO, 4. Identifiers: Orphanet 307, MedGen C1970160.

Allele frequency attached by ClinVar (database versions not stated): gnomAD 0.00005 and 0.00012; TOPMed 0.00006; gnomAD exomes 0.00016 and 0.00022; ExAC 0.00029; 1000 Genomes Project 30x 0.00031; 1000 Genomes Project 0.00040.
gnomAD v4.1: 250 of 1,613,918 alleles (0.015%); highest among the groups gnomAD compares: South Asian, 0.17%; 1 homozygote.

Submissions (5):

CeGaT Center for Human Genetics Tuebingen
Classification: Likely benign. Last evaluated: 2026-04-01. Review status: criteria provided, single submitter. Criteria: CeGaT Center For Human Genetics Tuebingen Variant Classification Criteria Version 2. Collection method: clinical testing. Allele origin: germline. Affected: yes. Observed: 3 variant alleles.
Comment: GABRA1: BP4, BP7, BS1

Labcorp Genetics (formerly Invitae), Labcorp
Classification: Benign for Epilepsy, childhood absence 4; Epilepsy, idiopathic generalized, susceptibility to, 13; Idiopathic generalized epilepsy. Last evaluated: 2025-11-03. Review status: criteria provided, single submitter. Criteria: Invitae Variant Classification Sherloc (09022015). Collection method: clinical testing. Allele origin: germline.

Blueprint Genetics
Classification: Likely benign. Last evaluated: 2024-08-13. Review status: criteria provided, single submitter. Criteria: ACMG Guidelines, 2015. Collection method: clinical testing. Allele origin: germline.

Illumina Laboratory Services, Illumina
Classification: Uncertain significance for Epilepsy, idiopathic generalized, susceptibility to, 13. Last evaluated: 2018-01-12. Review status: criteria provided, single submitter. Criteria: ICSL Variant Classification Criteria 13 December 2019. Collection method: clinical testing. Allele origin: germline.

GeneDx
Classification: Benign. Last evaluated: 2013-09-24. Review status: criteria provided, single submitter. Criteria: GeneDx Variant Classification (06012015). Collection method: clinical testing. Allele origin: germline. Affected: yes.
Comment: This variant is considered likely benign or benign based on one or more of the following criteria: it is a conservative change, it occurs at a poorly conserved position in the protein, it is predicted to be benign by multiple in silico algorithms, and/or has population frequency not consistent with disease.